The following is an entry in ClinVar:

NM_001190274.2(FBXO11):c.1546A>T (p.Ile516Leu)

Gene: FBXO11 (F-box protein 11; minus strand). Cytogenetic location: 2p16.3.
Variant type: single nucleotide variant.
Coding change: c.1546A>T on transcript NM_001190274.2 (MANE Select); coding-DNA position 1546, A replaced by T.
Protein change: p.Ile516Leu; replaces isoleucine 516 with leucine.
Molecular consequence: missense variant.
Genome position (GRCh38, 1-based): chr2:47,823,213, T>A on the plus strand (A>T on the coding strand, the complement: FBXO11 is on the minus strand). VCF-style: chr2-47823213-T-A. GRCh37 (hg19) VCF-style: chr2-48050352-T-A.
Other names: c.1294A>T, p.Ile432Leu (NM_001374325.1, NM_025133.4); c.1546A>T (NM_001190274.1); short protein forms I432L, I516L.
Identifiers: ClinVar variation 3022156 (VCV003022156.4), dbSNP rs1671513550, ClinGen allele CA346764800.

ClinVar aggregate classification (germline): Uncertain significance. Review status: criteria provided, multiple submitters, no conflicts (2 of 4 stars). 2 submissions from 2 submitters: Uncertain significance (2). Last evaluated 2026-06-15.

Conditions:
Inborn genetic diseases. Identifiers: MedGen C0950123, MeSH D030342.

gnomAD v4.1: 7 of 1,614,136 alleles (0.00043%); highest among the groups gnomAD compares: Non-Finnish European, 0.00059%; no homozygotes.

Submissions (2):

Ambry Genetics
Classification: Uncertain significance for Inborn genetic diseases. Last evaluated: 2026-06-15. Review status: criteria provided, single submitter. Criteria: Ambry Variant Classification Scheme 2023. Collection method: clinical testing. Allele origin: germline.

Labcorp Genetics (formerly Invitae), Labcorp
Classification: Uncertain significance. Last evaluated: 2024-02-02. Review status: criteria provided, single submitter. Criteria: Invitae Variant Classification Sherloc (09022015). Collection method: clinical testing. Allele origin: germline.
Comment: This sequence change replaces isoleucine, which is neutral and non-polar, with leucine, which is neutral and non-polar, at codon 516 of the FBXO11 protein (p.Ile516Leu). This variant is not present in population databases (gnomAD no frequency). This variant has not been reported in the literature in individuals affected with FBXO11-related conditions. An algorithm developed to predict the effect of missense changes on protein structure and function (PolyPhen-2) suggests that this variant is likely to be tolerated. In summary, the available evidence is currently insufficient to determine the role of this variant in disease. Therefore, it has been classified as a Variant of Uncertain Significance.